The following is an entry in ClinVar:

ClinVar aggregate classification (germline): Uncertain significance (1 of 4 stars; one submission).

Allele frequency attached by ClinVar (database versions not stated): gnomAD 0.00001 and 0.00002; TOPMed 0.00001.
gnomAD v4.1: 4 of 1,613,950 alleles (0.00025%); highest among the groups gnomAD compares: Admixed American, 0.005%; no homozygotes.

Submission:

Labcorp Genetics (formerly Invitae), Labcorp
Classification: Uncertain significance. Last evaluated: 2022-08-15. Review status: criteria provided, single submitter. Criteria: Invitae Variant Classification Sherloc (09022015). Collection method: clinical testing. Allele origin: germline.
Comment: In summary, the available evidence is currently insufficient to determine the role of this variant in disease. Therefore, it has been classified as a Variant of Uncertain Significance. Algorithms developed to predict the effect of missense changes on protein structure and function (SIFT, PolyPhen-2, Align-GVGD) all suggest that this variant is likely to be tolerated. ClinVar contains an entry for this variant (Variation ID: 1495295). This variant has not been reported in the literature in individuals affected with WNT5A-related conditions. This variant is not present in population databases (gnomAD no frequency). This sequence change replaces glutamine, which is neutral and polar, with histidine, which is basic and polar, at codon 346 of the WNT5A protein (p.Gln346His).

NM_003392.7(WNT5A):c.1038G>C (p.Gln346His)

Gene: WNT5A (Wnt family member 5A; minus strand). Cytogenetic location: 3p14.3.
Variant type: single nucleotide variant.
Coding change: c.1038G>C on transcript NM_003392.7 (MANE Select); coding-DNA position 1038, G replaced by C.
Protein change: p.Gln346His; replaces glutamine 346 with histidine.
Molecular consequence: missense variant.
Genome position (GRCh38, 1-based): chr3:55,470,197, C>G on the plus strand (G>C on the coding strand, the complement: WNT5A is on the minus strand). VCF-style: chr3-55470197-C-G. GRCh37 (hg19) VCF-style: chr3-55504225-C-G.
Other names: c.993G>C, p.Gln331His (NM_001256105.1, NM_001377271.1, NM_001377272.1); short protein forms Q346H, Q331H.
Identifiers: ClinVar variation 1495295 (VCV001495295.8), dbSNP rs2051220025, ClinGen allele CA353271352.
Genomic context (GRCh38, chr3:55,470,197, plus strand): 5'-CTTGACGTAGCAGCACCAGTGGAACTTGCAGTGGCAGCGCTCCGTCTGCACGGTCTTGAA[C>G]TGGTCGTAGCCACGGCCGCAGCACATGAGCTCGCAGCCATCCATGCCCTCCGACGTCTTG-3'
Protein context (NP_003383.4, residues 336-356): ELMCCGRGYD[Gln346His]FKTVQTERCH